The following is an entry in ClinVar:

ClinVar aggregate classification (germline): Uncertain significance (1 of 4 stars; one submission).

Conditions:
Norman-Roberts syndrome (LIS2). Also called: Lissencephaly 2 (Norman-Roberts type). Identifiers: Orphanet 89844, MedGen C0796089, MONDO:0009760, OMIM 257320.
Familial temporal lobe epilepsy 7. Identifiers: Orphanet 101046, MedGen C4225327, MONDO:0014639, OMIM 616436.

Allele frequency attached by ClinVar (database versions not stated): TOPMed below 0.00001.

Submission:

Labcorp Genetics (formerly Invitae), Labcorp
Classification: Uncertain significance for Familial temporal lobe epilepsy 7; Norman-Roberts syndrome. Last evaluated: 2023-08-04. Review status: criteria provided, single submitter. Criteria: Invitae Variant Classification Sherloc (09022015). Collection method: clinical testing. Allele origin: germline.
Comment: In summary, the available evidence is currently insufficient to determine the role of this variant in disease. Therefore, it has been classified as a Variant of Uncertain Significance. Algorithms developed to predict the effect of sequence changes on RNA splicing suggest that this variant is not likely to affect RNA splicing. This variant has not been reported in the literature in individuals affected with RELN-related conditions. This variant is not present in population databases (gnomAD no frequency). This sequence change affects codon 3148 of the RELN mRNA. It is a 'silent' change, meaning that it does not change the encoded amino acid sequence of the RELN protein. It affects a nucleotide within the consensus splice site.

NM_005045.4(RELN):c.9442A>C (p.Arg3148=)

Genes: SLC26A5-AS1 (SLC26A5 antisense RNA 1; plus strand), RELN (reelin; minus strand). Cytogenetic location: 7q22.1.
Variant type: single nucleotide variant.
Coding change: c.9442A>C on transcript NM_005045.4 (MANE Select); coding-DNA position 9442, A replaced by C.
Protein change: p.Arg3148=; no amino-acid change (arginine 3148 retained).
Molecular consequence: synonymous variant.
Genome position (GRCh38, 1-based): chr7:103,491,954, T>G on the plus strand (A>C on the coding strand, the complement: RELN is on the minus strand). VCF-style: chr7-103491954-T-G. GRCh37 (hg19) VCF-style: chr7-103132401-T-G.
Other names: c.9442A>C, p.Arg3148= (NM_173054.3).
Identifiers: ClinVar variation 2931621 (VCV002931621.3), dbSNP rs1828687332, ClinGen allele CA457023496.
Genomic context (GRCh38, chr7:103,491,954, plus strand): 5'-ACAACGATTTGGATGGGGTATTCAAGTTTGAAGATAATGTTAAAAATTATTTCACAAACC[T>G]TGCATCCTTAGTGTATTCCAGCATTACGGAATGAAGGTCACCACAAGAAGTGGCTTCACA-3'
Protein context (NP_005036.2, residues 3138-3158): SVMLEYTKDA[Arg3148=]SDSWQLVQTQ